The following is an entry in ClinVar:

ClinVar aggregate classification (germline): Benign. Review status: criteria provided, multiple submitters, no conflicts (2 of 4 stars). 3 submissions from 3 submitters: Benign (2). 1 of the submissions does not count toward it. Last evaluated 2019-12-31.

Conditions:
PTPRS-related disorder. Also called: PTPRS-related condition.

Allele frequency attached by ClinVar (database versions not stated): ESP Exome Variant Server 0.00062; gnomAD exomes 0.00375 and 0.01129; TOPMed 0.00488; 1000 Genomes Project 30x 0.00515; 1000 Genomes Project 0.00559; gnomAD 0.00665 and 0.00688; ExAC 0.00900.
gnomAD v4.1: 6,485 of 1,610,196 alleles (0.4%); highest among the groups gnomAD compares: Admixed American, 3.1%; 132 homozygotes.

Submissions (3):

Labcorp Genetics (formerly Invitae), Labcorp
Classification: Benign. Last evaluated: 2019-12-31. Review status: criteria provided, single submitter. Criteria: Invitae Variant Classification Sherloc (09022015). Collection method: clinical testing. Allele origin: germline.

Breakthrough Genomics
Classification: Benign. Review status: criteria provided, single submitter. Criteria: ACMG Guidelines, 2015. Collection method: not provided. Allele origin: germline. Inheritance: Unknown mechanism. Affected: yes.

PreventionGenetics, part of Exact Sciences
Classification: Benign for PTPRS-related condition. Last evaluated: 2019-03-18. Review status: no assertion criteria provided. Collection method: clinical testing. Allele origin: germline. Not counted in ClinVar's aggregate classification.
Comment: This variant is classified as benign based on ACMG/AMP sequence variant interpretation guidelines (Richards et al. 2015 PMID: 25741868, with internal and published modifications).

NM_002850.4(PTPRS):c.5211C>T (p.Asn1737=)

Gene: PTPRS (protein tyrosine phosphatase receptor type S; minus strand). Cytogenetic location: 19p13.3.
Variant type: single nucleotide variant.
Coding change: c.5211C>T on transcript NM_002850.4 (MANE Select); coding-DNA position 5211, C replaced by T.
Protein change: p.Asn1737=; no amino-acid change (asparagine 1737 retained).
Molecular consequence: synonymous variant.
Genome position (GRCh38, 1-based): chr19:5,211,613, G>A on the plus strand (C>T on the coding strand, the complement: PTPRS is on the minus strand). VCF-style: chr19-5211613-G-A. GRCh37 (hg19) VCF-style: chr19-5211624-G-A.
Other names: c.3870C>T, p.Asn1290= (NM_130853.3); c.5097C>T, p.Asn1699= (NM_130854.3); c.3882C>T, p.Asn1294= (NM_130855.3).
Identifiers: ClinVar variation 769948 (VCV000769948.7), dbSNP rs115796999, ClinGen allele CA9108840.